The following is an entry in ClinVar:

ClinVar aggregate classification (germline): Uncertain significance (1 of 4 stars; one submission).

Allele frequency attached by ClinVar (database versions not stated): gnomAD 0.00001; gnomAD exomes 0.00001; TOPMed 0.00001.
gnomAD v4.1: 8 of 1,356,836 alleles (0.00059%); highest among the groups gnomAD compares: Non-Finnish European, 0.00079%; no homozygotes.

Submission:

Labcorp Genetics (formerly Invitae), Labcorp
Classification: Uncertain significance. Last evaluated: 2025-07-31. Review status: criteria provided, single submitter. Criteria: Invitae Variant Classification Sherloc (09022015). Collection method: clinical testing. Allele origin: germline.
Comment: This sequence change replaces serine, which is neutral and polar, with asparagine, which is neutral and polar, at codon 1094 of the ERCC6L2 protein (p.Ser1094Asn). This variant is not present in population databases (gnomAD no frequency). This variant has not been reported in the literature in individuals affected with ERCC6L2-related conditions. ClinVar contains an entry for this variant (Variation ID: 2958583). Experimental studies and prediction algorithms are not available or were not evaluated, and the functional significance of this variant is currently unknown. In summary, the available evidence is currently insufficient to determine the role of this variant in disease. Therefore, it has been classified as a Variant of Uncertain Significance.

NM_020207.7(ERCC6L2):c.3248G>A (p.Ser1083Asn)

Gene: ERCC6L2 (ERCC excision repair 6 like 2; plus strand). Cytogenetic location: 9q22.32.
Variant type: single nucleotide variant.
Coding change: c.3248G>A on transcript NM_020207.7 (MANE Select); coding-DNA position 3248, G replaced by A.
Protein change: p.Ser1083Asn; replaces serine 1083 with asparagine.
Molecular consequence: missense variant. On other transcripts: non-coding transcript variant (1).
Genome position (GRCh38, 1-based): chr9:95,972,999, G>A. VCF-style: chr9-95972999-G-A. GRCh37 (hg19) VCF-style: chr9-98735281-G-A.
Other names: c.3248G>A, p.Ser1083Asn (NM_001375291.1, NM_001375292.1, NM_001375293.1 and 1 more transcripts); short protein forms S1083N.
Identifiers: ClinVar variation 2958583 (VCV002958583.3), dbSNP rs1216695330, ClinGen allele CA589285478.
Genomic context (GRCh38, chr9:95,972,999, plus strand): 5'-GAACTATAAGAGACAGAACTAGTTTTTCTTCAAAATTGCCTAGCCATAATAAGAAAAATA[G>A]CACTTTTATTCCAAGAAAACCAATGAAATGTTCAAATGAGAAAGTTGTTAATCAAGAGCA-3'
Protein context (NP_064592.3, residues 1073-1093): SKLPSHNKKN[Ser1083Asn]TFIPRKPMKC